The following is an entry in ClinVar:

ClinVar aggregate classification (germline): Pathogenic. Review status: criteria provided, multiple submitters, no conflicts (2 of 4 stars). 4 submissions from 4 submitters: Pathogenic (2). 2 of the submissions do not count toward it. Last evaluated 2026-07-27.

Conditions:
Primary immunodeficiency or monogenic inflammatory bowel disease.
3MC syndrome 3 (3MC3). Also called: MALPUECH FACIAL CLEFTING SYNDROME. Identifiers: Orphanet 293843, MedGen C0796032, MONDO:0009554, OMIM 248340.
COLEC10-related disorder. Also called: COLEC10-related condition.

Allele frequency attached by ClinVar (database versions not stated): TOPMed 0.00001; gnomAD exomes 0.00002 and 0.00004; gnomAD 0.00001; ESP Exome Variant Server 0.00008; ExAC 0.00003.
gnomAD v4.1: 37 of 1,613,726 alleles (0.0023%); highest among the groups gnomAD compares: South Asian, 0.013%; no homozygotes.

Submissions (4):

North West Genomic Laboratory Hub, Manchester University NHS Foundation Trust
Classification: Pathogenic for Primary immunodeficiency or monogenic inflammatory bowel disease. Last evaluated: 2026-07-27. Review status: criteria provided, single submitter. Criteria: ACGS Best Practice Guidelines for Variant Classification in Rare Disease 2024. Collection method: clinical testing. Allele origin: germline. Affected: yes.
Comment: PM3_Str PM2_Mod PVS1_VStr

Laboratorio de Genetica e Diagnostico Molecular, Hospital Israelita Albert Einstein
Classification: Pathogenic. Last evaluated: 2019-11-07. Review status: criteria provided, single submitter. Criteria: ACMG Guidelines, 2015. Collection method: clinical testing. Allele origin: germline. Affected: yes.
Comment: ACMG classification criteria: PVS1, PM2, PM3

PreventionGenetics, part of Exact Sciences
Classification: Likely pathogenic for COLEC10-related condition. Last evaluated: 2023-11-01. Review status: no assertion criteria provided. Collection method: clinical testing. Allele origin: germline. Not counted in ClinVar's aggregate classification.
Comment: The COLEC10 c.25C>T variant is predicted to result in premature protein termination (p.Arg9*). This variant was reported in the compound heterozygous state along with a second truncating variant in two siblings with 3MC syndrome as well as with a potentially causative missense variant in one unrelated affected individual (Munye. 2017. PubMed ID: 28301481). This variant is reported in 0.023% of alleles in individuals of South Asian descent in gnomAD. Nonsense variants in COLEC10 are expected to be pathogenic. This variant is interpreted as likely pathogenic.

OMIM
Classification: Pathogenic for 3MC SYNDROME 3. Last evaluated: 2017-04-13. Review status: no assertion criteria provided. Collection method: literature only. Allele origin: germline. Not counted in ClinVar's aggregate classification.

Literature cited by the submitters: PubMed 28301481 (cited by OMIM).

NM_006438.5(COLEC10):c.25C>T (p.Arg9Ter)

Genes: COLEC10 (collectin subfamily member 10; plus strand), LOC101927513 (uncharacterized LOC101927513; minus strand), LOC126860480 (BRD4-independent group 4 enhancer GRCh37_chr8:120079461-120080660; plus strand). Cytogenetic location: 8q24.12.
Variant type: single nucleotide variant.
Coding change: c.25C>T on transcript NM_006438.5 (MANE Select); coding-DNA position 25, C replaced by T.
Protein change: p.Arg9Ter; replaces arginine 9 with a stop codon.
Molecular consequence: nonsense. On other transcripts: intron variant (1).
Genome position (GRCh38, 1-based): chr8:119,067,306, C>T. VCF-style: chr8-119067306-C-T. GRCh37 (hg19) VCF-style: chr8-120079545-C-T.
Other names: COLEC10, ARG9TER (rs149010496); c.-59-22374C>T (NM_001324095.2); short protein forms R9*.
Identifiers: ClinVar variation 417733 (VCV000417733.6), dbSNP rs149010496, ClinGen allele CA4855045.
Genomic context (GRCh38, chr8:119,067,306, plus strand): 5'-CATTTCTGGGAGACCCTTTTCTGAGGAACCACAGCAATGAATGGCTTTGCATCCTTGCTT[C>T]GAAGAAACCAATTTATCCTCCTGGTACTATTTCTTTTGCAAATTCAGAGTCTGGGTCTGG-3'